The following is an entry in ClinVar:

NM_015205.3(ATP11A):c.763A>G (p.Thr255Ala)

Gene: ATP11A (ATPase phospholipid transporting 11A; plus strand). Cytogenetic location: 13q34.
Variant type: single nucleotide variant.
Coding change: c.763A>G on transcript NM_015205.3 (MANE Select); coding-DNA position 763, A replaced by G.
Protein change: p.Thr255Ala; replaces threonine 255 with alanine.
Molecular consequence: missense variant.
Genome position (GRCh38, 1-based): chr13:112,823,382, A>G. VCF-style: chr13-112823382-A-G. GRCh37 (hg19) VCF-style: chr13-113477696-A-G.
Other names: c.763A>G, p.Thr255Ala (NM_001405661.1, NM_001405662.1, NM_001405663.1 and 1 more transcripts); short protein forms T255A.
Identifiers: ClinVar variation 4590518 (VCV004590518.2).

ClinVar aggregate classification (germline): Uncertain significance. Review status: criteria provided, multiple submitters, no conflicts (2 of 4 stars). 2 submissions from 2 submitters: Uncertain significance (2). Last evaluated 2026-03-25.

Conditions:
ATP11A-related disorder. Also called: ATP11A-related condition.
Inborn genetic diseases. Identifiers: MedGen C0950123, MeSH D030342.

gnomAD v4.1: 3 of 1,612,710 alleles (0.00019%); highest among the groups gnomAD compares: Non-Finnish European, 0.00025%; no homozygotes.

Submissions (2):

PreventionGenetics, part of Exact Sciences
Classification: Uncertain significance for ATP11A-related condition. Last evaluated: 2026-03-25. Review status: criteria provided, single submitter. Criteria: ACMG Guidelines, 2015. Collection method: clinical testing. Allele origin: germline.
Comment: The ATP11A c.763A>G variant is predicted to result in the amino acid substitution p.Thr255Ala. To our knowledge, this variant has not been reported in the literature. This variant is reported in 0.0065% of alleles in individuals of European (Non-Finnish) descent in gnomAD. At this time, the clinical significance of this variant is uncertain due to the absence of conclusive functional and genetic evidence.

Ambry Genetics
Classification: Uncertain significance for Inborn genetic diseases. Last evaluated: 2025-09-25. Review status: criteria provided, single submitter. Criteria: Ambry Variant Classification Scheme 2023. Collection method: clinical testing. Allele origin: germline.